The following is an entry in ClinVar:

ClinVar aggregate classification (germline): Uncertain significance. Review status: criteria provided, multiple submitters, no conflicts (2 of 4 stars). 2 submissions from 2 submitters: Uncertain significance (2). Last evaluated 2022-06-07.

Conditions:
Inborn genetic diseases. Identifiers: MedGen C0950123, MeSH D030342.

Allele frequency attached by ClinVar (database versions not stated): gnomAD exomes 0.00005 and 0.00010; ESP Exome Variant Server 0.00008; ExAC 0.00011; 1000 Genomes Project 30x 0.00016; 1000 Genomes Project 0.00020; gnomAD 0.00048 and 0.00051; TOPMed 0.00057.
gnomAD v4.1: 147 of 1,612,912 alleles (0.0091%); highest among the groups gnomAD compares: African/African-American, 0.16%; 1 homozygote.

Submissions (2):

Labcorp Genetics (formerly Invitae), Labcorp
Classification: Uncertain significance. Last evaluated: 2022-06-07. Review status: criteria provided, single submitter. Criteria: Invitae Variant Classification Sherloc (09022015). Collection method: clinical testing. Allele origin: germline.
Comment: This sequence change replaces valine, which is neutral and non-polar, with isoleucine, which is neutral and non-polar, at codon 315 of the C7 protein (p.Val315Ile). This variant is present in population databases (rs374639013, gnomAD 0.1%). This variant has not been reported in the literature in individuals affected with C7-related conditions. ClinVar contains an entry for this variant (Variation ID: 1392113). Algorithms developed to predict the effect of missense changes on protein structure and function output the following: SIFT: "Tolerated"; PolyPhen-2: "Benign"; Align-GVGD: "Class C0". The isoleucine amino acid residue is found in multiple mammalian species, which suggests that this missense change does not adversely affect protein function. In summary, the available evidence is currently insufficient to determine the role of this variant in disease. Therefore, it has been classified as a Variant of Uncertain Significance.

Ambry Genetics
Classification: Uncertain significance for Inborn genetic diseases. Last evaluated: 2021-10-05. Review status: criteria provided, single submitter. Criteria: Ambry Variant Classification Scheme 2023. Collection method: clinical testing. Allele origin: germline.

NM_000587.4(C7):c.943G>A (p.Val315Ile)

Gene: C7 (complement C7; plus strand). Cytogenetic location: 5p13.1.
Variant type: single nucleotide variant.
Coding change: c.943G>A on transcript NM_000587.4 (MANE Select); coding-DNA position 943, G replaced by A.
Protein change: p.Val315Ile; replaces valine 315 with isoleucine.
Molecular consequence: missense variant.
Genome position (GRCh38, 1-based): chr5:40,947,806, G>A. VCF-style: chr5-40947806-G-A. GRCh37 (hg19) VCF-style: chr5-40947908-G-A.
Other names: c.943G>A (NM_000587.2); short protein forms V315I.
Identifiers: ClinVar variation 1392113 (VCV001392113.6), dbSNP rs374639013, ClinGen allele CA3249795.